The following is an entry in ClinVar:

ClinVar aggregate classification (germline): Uncertain significance (1 of 4 stars; one submission).

Conditions:
Hereditary cancer-predisposing syndrome. Also called: Tumor predisposition; Neoplastic Syndromes, Hereditary; Hereditary Cancer Syndrome; Hereditary neoplastic syndrome. Identifiers: Orphanet 140162, MedGen C0027672, MeSH D009386, MONDO:0015356.

Submission:

Ambry Genetics
Classification: Uncertain significance for Hereditary cancer-predisposing syndrome. Last evaluated: 2025-03-07. Review status: criteria provided, single submitter. Criteria: Ambry Variant Classification Scheme 2023. Collection method: clinical testing. Allele origin: germline.
Comment: The p.L342F variant (also known as c.1024C>T), located in coding exon 1 of the MET gene, results from a C to T substitution at nucleotide position 1024. The leucine at codon 342 is replaced by phenylalanine, an amino acid with highly similar properties. This amino acid position is well conserved in available vertebrate species. In addition, this alteration is predicted to be tolerated by in silico analysis. Based on the available evidence, the clinical significance of this variant remains unclear.

NM_000245.4(MET):c.1024C>T (p.Leu342Phe)

Gene: MET (MET proto-oncogene, receptor tyrosine kinase; plus strand). Cytogenetic location: 7q31.2.
Variant type: single nucleotide variant.
Coding change: c.1024C>T on transcript NM_000245.4 (MANE Select); coding-DNA position 1024, C replaced by T.
Protein change: p.Leu342Phe; replaces leucine 342 with phenylalanine.
Molecular consequence: missense variant. On other transcripts: intron variant (1).
Genome position (GRCh38, 1-based): chr7:116,700,108, C>T. VCF-style: chr7-116700108-C-T. GRCh37 (hg19) VCF-style: chr7-116340162-C-T.
Other names: c.1024C>T, p.Leu342Phe (NM_001127500.3, NM_001324401.3); c.-91+27531C>T (NM_001324402.2); short protein forms L342F.
Identifiers: ClinVar variation 3872391 (VCV003872391.1).
Genomic context (GRCh38, chr7:116,700,108, plus strand): 5'-GTCAGCAAGCCTGGGGCCCAGCTTGCTAGACAAATAGGAGCCAGCCTGAATGATGACATT[C>T]TTTTCGGGGTGTTCGCACAAAGCAAGCCAGATTCTGCCGAACCAATGGATCGATCTGCCA-3'
Protein context (NP_000236.2, residues 332-352): QIGASLNDDI[Leu342Phe]FGVFAQSKPD